The following is an entry in ClinVar:

NM_000092.5(COL4A4):c.2932G>C (p.Gly978Arg)

Gene: COL4A4 (collagen type IV alpha 4 chain; minus strand). Cytogenetic location: 2q36.3.
Variant type: single nucleotide variant.
Coding change: c.2932G>C on transcript NM_000092.5 (MANE Select); coding-DNA position 2932, G replaced by C.
Protein change: p.Gly978Arg; replaces glycine 978 with arginine.
Molecular consequence: missense variant.
Genome position (GRCh38, 1-based): chr2:227,052,341, C>G on the plus strand (G>C on the coding strand, the complement: COL4A4 is on the minus strand). VCF-style: chr2-227052341-C-G. GRCh37 (hg19) VCF-style: chr2-227917057-C-G.
Other names: short protein forms G978R.
Identifiers: ClinVar variation 2581275 (VCV002581275.3), dbSNP rs759439914, ClinGen allele CA350839396.

ClinVar aggregate classification (germline): Conflicting classifications of pathogenicity. Review status: criteria provided, conflicting classifications (1 of 4 stars). 3 submissions from 3 submitters: Likely pathogenic (2); Uncertain significance (1). Last evaluated 2025-09-02.

Conditions:
Alport syndrome. Also called: Hemorrhagic familial nephritis; Hemorrhagic hereditary nephritis; Congenital hereditary hematuria. Identifiers: Orphanet 63, MedGen C1567741, MONDO:0018965.
Hematuria, benign familial, 1 (BFH1). Also called: THIN MEMBRANE NEPHROPATHY. Identifiers: MedGen CN376803, MONDO:0007709, OMIM 141200.
Autosomal recessive Alport syndrome (ATS2). Also called: Alport syndrome type 2; COL4A3-Related Nephropathy; COL4A4 Alport Syndrome and Thin Basement Membrane Nephropathy; ALPORT SYNDROME 2, AUTOSOMAL RECESSIVE. Identifiers: Orphanet 63, Orphanet 88919, MedGen C4746745, MONDO:0008762, OMIM 203780.

Allele frequency attached by ClinVar (database versions not stated): gnomAD exomes below 0.00001.
gnomAD v4.1: 4 of 1,612,868 alleles (0.00025%); highest among the groups gnomAD compares: Non-Finnish European, 0.00025%; no homozygotes.

Submissions (3):

Natera, Inc.
Classification: Likely pathogenic for Alport syndrome. Last evaluated: 2025-09-02. Review status: criteria provided, single submitter. Criteria: Natera Variant Classification Schema (03/2026). Collection method: clinical testing. Allele origin: germline.
Comment: The c.2932G>C variant in COL4A4 is a missense variant predicted to cause substitution of glycine to arginine at amino acid 978. This variant is rare in the general population with a frequency below the threshold expected for the associated phenotype(s). This variant is located in a functionally critical region of the protein. Computational prediction algorithms indicate this variant is likely to affect gene or protein function. Given the available evidence, this variant is classified as Likely Pathogenic.

Fulgent Genetics
Classification: Likely pathogenic for Hematuria, benign familial, 1; Autosomal recessive Alport syndrome. Last evaluated: 2024-02-23. Review status: criteria provided, single submitter. Criteria: ACMG Guidelines, 2015. Collection method: clinical testing. Allele origin: germline.

Women's Health and Genetics/Laboratory Corporation of America, LabCorp
Classification: Uncertain significance. Last evaluated: 2023-08-03. Review status: criteria provided, single submitter. Criteria: LabCorp Variant Classification Summary - May 2015. Collection method: clinical testing. Allele origin: germline.
Comment: Variant summary: COL4A4 c.2932G>C (p.Gly978Arg) results in a non-conservative amino acid change located in the Collagen triple helix repeat (IPR008160) of the encoded protein sequence. Five of five in-silico tools predict a damaging effect of the variant on protein function. The variant was absent in 249568 control chromosomes. The available data on variant occurrences in the general population are insufficient to allow any conclusion about variant significance. To our knowledge, no occurrence of c.2932G>C in individuals affected with Alport Syndrome, Autosomal Recessive and no experimental evidence demonstrating its impact on protein function have been reported. This report does not provide unequivocal conclusions about the association of this variant in isolation with autosomal recessive or autosomal dominant Alport Syndrome. No submitters have cited clinical-significance assessments for this variant to ClinVar after 2014. Based on the evidence outlined above, the variant was classified as uncertain significance.